The following is an entry in ClinVar:

NM_015967.8(PTPN22):c.916-3A>C

Genes: AP4B1-AS1 (AP4B1 antisense RNA 1; plus strand), PTPN22 (protein tyrosine phosphatase non-receptor type 22; minus strand). Cytogenetic location: 1p13.2.
Variant type: single nucleotide variant.
Coding change: c.916-3A>C on transcript NM_015967.8 (MANE Select); 3 bases into the intron before coding-DNA position 916, A replaced by C.
Molecular consequence: intron variant.
Genome position (GRCh38, 1-based): chr1:113,838,623, T>G on the plus strand (A>C on the coding strand, the complement: PTPN22 is on the minus strand). VCF-style: chr1-113838623-T-G. GRCh37 (hg19) VCF-style: chr1-114381245-T-G.
Other names: c.844-3A>C (NM_001308297.2); c.751-3A>C (NM_012411.6); c.916-3A>C (NM_001193431.3).
Identifiers: ClinVar variation 4874801 (VCV004874801.2).

ClinVar aggregate classification (germline): Uncertain significance (1 of 4 stars; one submission).

gnomAD v4.1: 1 of 1,611,704 alleles (0.000062%); highest among the groups gnomAD compares: Non-Finnish European, 0.000085%; no homozygotes.

Submission:

CeGaT Center for Human Genetics Tuebingen
Classification: Uncertain significance. Last evaluated: 2026-04-01. Review status: criteria provided, single submitter. Criteria: CeGaT Center For Human Genetics Tuebingen Variant Classification Criteria Version 2. Collection method: clinical testing. Allele origin: germline. Affected: yes. Observed: 1 variant allele.
Comment: PTPN22: PM2, BP4